The following is an entry in ClinVar:

ClinVar aggregate classification (germline): Uncertain significance (1 of 4 stars; one submission).

gnomAD v4.1: 1 of 1,614,140 alleles (0.000062%); highest among the groups gnomAD compares: Non-Finnish European, 0.000085%; no homozygotes.

Submission:

Labcorp Genetics (formerly Invitae), Labcorp
Classification: Uncertain significance. Last evaluated: 2024-11-05. Review status: criteria provided, single submitter. Criteria: Invitae Variant Classification Sherloc (09022015). Collection method: clinical testing. Allele origin: germline.
Comment: This sequence change replaces arginine, which is basic and polar, with glycine, which is neutral and non-polar, at codon 736 of the FAT2 protein (p.Arg736Gly). This variant is not present in population databases (gnomAD no frequency). This variant has not been reported in the literature in individuals affected with FAT2-related conditions. Invitae Evidence Modeling of protein sequence and biophysical properties (such as structural, functional, and spatial information, amino acid conservation, physicochemical variation, residue mobility, and thermodynamic stability) indicates that this missense variant is not expected to disrupt FAT2 protein function with a negative predictive value of 80%. In summary, the available evidence is currently insufficient to determine the role of this variant in disease. Therefore, it has been classified as a Variant of Uncertain Significance.

NM_001447.3(FAT2):c.2206C>G (p.Arg736Gly)

Gene: FAT2 (FAT atypical cadherin 2; minus strand). Cytogenetic location: 5q33.1.
Variant type: single nucleotide variant.
Coding change: c.2206C>G on transcript NM_001447.3 (MANE Select); coding-DNA position 2206, C replaced by G.
Protein change: p.Arg736Gly; replaces arginine 736 with glycine.
Molecular consequence: missense variant.
Genome position (GRCh38, 1-based): chr5:151,566,726, G>C on the plus strand (C>G on the coding strand, the complement: FAT2 is on the minus strand). VCF-style: chr5-151566726-G-C. GRCh37 (hg19) VCF-style: chr5-150946287-G-C.
Other names: short protein forms R736G.
Identifiers: ClinVar variation 3688573 (VCV003688573.2).